The following is an entry in ClinVar:

ClinVar aggregate classification (germline): Uncertain significance (1 of 4 stars; one submission).

Allele frequency attached by ClinVar (database versions not stated): ExAC 0.00001; gnomAD exomes 0.00001; ESP Exome Variant Server 0.00008.
gnomAD v4.1: 14 of 1,613,154 alleles (0.00087%); highest among the groups gnomAD compares: African/African-American, 0.004%; no homozygotes.

Submission:

Labcorp Genetics (formerly Invitae), Labcorp
Classification: Uncertain significance. Last evaluated: 2023-03-26. Review status: criteria provided, single submitter. Criteria: Invitae Variant Classification Sherloc (09022015). Collection method: clinical testing. Allele origin: germline.
Comment: This sequence change creates a premature translational stop signal (p.Arg53*) in the PMP2 gene. It is expected to result in an absent or disrupted protein product. However, the current clinical and genetic evidence is not sufficient to establish whether loss-of-function variants in PMP2 cause disease. This variant is present in population databases (rs375558516, gnomAD 0.02%). This variant has not been reported in the literature in individuals affected with PMP2-related conditions. Experimental studies and prediction algorithms are not available or were not evaluated, and the functional significance of this variant is currently unknown. In summary, the available evidence is currently insufficient to determine the role of this variant in disease. Therefore, it has been classified as a Variant of Uncertain Significance.

NM_002677.5(PMP2):c.157C>T (p.Arg53Ter)

Gene: PMP2 (peripheral myelin protein 2; minus strand). Cytogenetic location: 8q21.13.
Variant type: single nucleotide variant.
Coding change: c.157C>T on transcript NM_002677.5 (MANE Select); coding-DNA position 157, C replaced by T.
Protein change: p.Arg53Ter; replaces arginine 53 with a stop codon.
Molecular consequence: nonsense. On other transcripts: intron variant (1).
Genome position (GRCh38, 1-based): chr8:81,444,906, G>A on the plus strand (C>T on the coding strand, the complement: PMP2 is on the minus strand). VCF-style: chr8-81444906-G-A. GRCh37 (hg19) VCF-style: chr8-82357141-G-A.
Other names: c.74-305C>T (NM_001348381.2); short protein forms R53*.
Identifiers: ClinVar variation 2960583 (VCV002960583.3), dbSNP rs375558516, ClinGen allele CA4791970.